The following continues an entry in ClinVar:

NM_001126108.2(SLC12A3):c.2554C>T (p.Arg852Cys)

Gene: SLC12A3. ClinVar aggregate classification (germline): Pathogenic/Likely pathogenic. Pathogenic (15); Likely pathogenic (1).

Submissions 13 to 17 of 17:

Illumina Laboratory Services, Illumina
Classification: Pathogenic for Familial hypokalemia-hypomagnesemia. Last evaluated: 2017-08-03. Review status: criteria provided, single submitter. Criteria: ICSL Variant Classification Criteria 09 May 2019. Collection method: clinical testing. Allele origin: germline.
Comment: Across a selection of the available literature, the SLC12A3 c.2581C>T (p.Arg861Cys) variant has been reported in at least seven studies and is found in at least 20 patients with Gitelman syndrome including one in a homozygous state and 19 in a compound heterozygous state, with one sibling pair who also carried a null variant on the second allele (Lemmink et al. 1998; Ji et al. 2008; Favre et al. 2012; Berry et al. 2013; Jiang et al. 2015; Grillone et al. 2016; Valdez-Flores et al. 2016). Patients had a range of phenotypes consistent with Gitelman syndrome including absence of arterial hypertension, hypokalemia of renal origin, hypomagnesia, hypocalciuria, and paresthesia after exercise (Favre et al. 2012; Grillone et al. 2016). The p.Arg861Cys variant was absent from 50 control chromosomes and is reported at a frequency of 0.000185 in the European (non-Finnish) population of the Exome Aggregation Consortium. The p.Arg861Cys variant demonstrated reduced NaCl cotransporter activity, lower phosphorylation ability, and reduced cell surface presence compared to wild type in HEK293 cells (Valdez-Flores et al. 2016). Based on the evidence, the p.Arg861Cys variant is classified as pathogenic for Gitelman syndrome. This variant was observed by ICSL as part of a predisposition screen in an ostensibly healthy population.

Clinical Genetics Service, Universitary Hospital 12 de Octubre
Classification: Pathogenic for Familial hypokalemia-hypomagnesemia. Review status: criteria provided, single submitter. Criteria: ACMG Guidelines, 2015. Collection method: clinical testing. Allele origin: germline. Affected: yes.

Juno Genomics, Hangzhou Juno Genomics, Inc
Classification: Pathogenic for Familial hypokalemia-hypomagnesemia. Review status: criteria provided, single submitter. Criteria: ACMG Guidelines, 2015. Collection method: clinical testing. Allele origin: germline.
Comment: Absent from controls (or at extremely low frequency if recessive) in Genome Aggregation Database.;Well-established in vitro or in vivo functional studies supportive of a damaging effect on the gene or gene product.;For recessive disorders, detected in trans with a pathogenic variant.;Co-segregation with disease in multiple affected family members.;Patient's phenotype or family history is highly specific for a disease with a single genetic etiology.;Novel missense change at an amino acid residue where a different missense change determined to be pathogenic has been seen before.

Kariminejad - Najmabadi Pathology & Genetics Center
Classification: Likely pathogenic for Familial hypokalemia-hypomagnesemia. Review status: criteria provided, single submitter. Criteria: ACMG Guidelines, 2015. Collection method: clinical testing. Allele origin: germline. Affected: no.

Institute of Human Genetics, Cologne University
Classification: Pathogenic for Familial hypokalemia-hypomagnesemia. Review status: no assertion criteria provided. Collection method: clinical testing. Allele origin: unknown. Affected: yes. Observed: 1 variant allele, 1 compound heterozygote. Not counted in ClinVar's aggregate classification.

Literature cited by the submitters: PubMed 27582097 (cited by 4 submitters); PubMed 21415153 (cited by Labcorp Genetics (formerly Invitae), Labcorp); PubMed 23328711 (cited by 3 submitters); PubMed 26121437 (cited by 4 submitters); PubMed 29398133 (cited by Natera, Inc.); PubMed 18391953 (cited by 3 submitters); PubMed 27872838 (cited by Victorian Clinical Genetics Services, Murdoch Childrens Research Institute and Illumina Laboratory Services, Illumina); PubMed 9734597 (cited by Victorian Clinical Genetics Services, Murdoch Childrens Research Institute and Illumina Laboratory Services, Illumina); PubMed 22241817 (cited by Illumina Laboratory Services, Illumina).